The following is an entry in ClinVar:

ClinVar aggregate classification (germline): Uncertain significance (1 of 4 stars; one submission).

Submission:

GeneDx
Classification: Uncertain significance. Last evaluated: 2021-02-01. Review status: criteria provided, single submitter. Criteria: GeneDx Variant Classification Process June 2021. Collection method: clinical testing. Allele origin: germline. Affected: yes.
Comment: Not observed in large population cohorts (Lek et al., 2016); In silico analysis, which includes protein predictors and evolutionary conservation, supports a deleterious effect; Has not been previously published as pathogenic or benign to our knowledge

NM_016011.5(MECR):c.622G>T (p.Gly208Cys)

Gene: MECR (mitochondrial trans-2-enoyl-CoA reductase; minus strand). Cytogenetic location: 1p35.3.
Variant type: single nucleotide variant.
Coding change: c.622G>T on transcript NM_016011.5 (MANE Select); coding-DNA position 622, G replaced by T.
Protein change: p.Gly208Cys; replaces glycine 208 with cysteine.
Molecular consequence: missense variant. On other transcripts: non-coding transcript variant (3).
Genome position (GRCh38, 1-based): chr1:29,203,162, C>A on the plus strand (G>T on the coding strand, the complement: MECR is on the minus strand). VCF-style: chr1-29203162-C-A. GRCh37 (hg19) VCF-style: chr1-29529674-C-A.
Other names: c.394G>T, p.Gly132Cys (NM_001024732.4, NM_001349711.2, NM_001349712.2 and 2 more transcripts); c.727G>T, p.Gly243Cys (NM_001349715.2); c.706G>T, p.Gly236Cys (NM_001349716.2); c.472G>T, p.Gly158Cys (NM_001349717.2); short protein forms G132C, G158C, G208C, G236C, G243C.
Identifiers: ClinVar variation 1308891 (VCV001308891.2), dbSNP rs2151862349, ClinGen allele CA339542610.